The following is an entry in ClinVar:

ClinVar aggregate classification (germline): Pathogenic/Likely pathogenic. Review status: criteria provided, multiple submitters, no conflicts (2 of 4 stars). 8 submissions from 8 submitters: Pathogenic (6); Likely pathogenic (2). Last evaluated 2025-12-09.

Conditions:
Hereditary cancer-predisposing syndrome. Also called: Hereditary neoplastic syndrome; Neoplastic Syndromes, Hereditary; Tumor predisposition; Hereditary Cancer Syndrome. Identifiers: Orphanet 140162, MedGen C0027672, MeSH D009386, MONDO:0015356.
Familial cancer of breast. Also called: Hereditary breast cancer; hereditary breast carcinoma; BREAST CANCER, FAMILIAL. Identifiers: Orphanet 227535, MedGen C0346153, MONDO:0016419, OMIM 114480. Disease mechanism: loss of function.
Ataxia-telangiectasia syndrome (AT). Also called: Ataxia telangiectasia (A-T); LOUIS-BAR SYNDROME; Cerebello-oculocutaneous telangiectasia; Immunodeficiency with ataxia telangiectasia; Ataxia-telangiectasia, complementation group D; AT, COMPLEMENTATION GROUP C. Identifiers: Orphanet 100, MedGen C0004135, MONDO:0008840, OMIM 208900.

Allele frequency attached by ClinVar (database versions not stated): gnomAD exomes below 0.00001.
gnomAD v4.1: 2 of 1,613,460 alleles (0.00012%); highest among the groups gnomAD compares: Admixed American, 0.0017%; no homozygotes.

Submissions (8):

Labcorp Genetics (formerly Invitae), Labcorp
Classification: Pathogenic for Ataxia-telangiectasia syndrome. Last evaluated: 2025-12-09. Review status: criteria provided, single submitter. Criteria: Invitae Variant Classification Sherloc (09022015). Collection method: clinical testing. Allele origin: germline.
Comment: This sequence change affects an acceptor splice site in intron 27 of the ATM gene. RNA analysis indicates that disruption of this splice site induces altered splicing and may result in an absent or altered protein product. This variant is not present in population databases (gnomAD no frequency). Disruption of this splice site has been observed in individual(s) with ataxia-telangiectasia (PMID: 14695534). This variant is also known as IVS29-1G>A. ClinVar contains an entry for this variant (Variation ID: 407707). Studies have shown that disruption of this splice site alters ATM gene expression (PMID: 14695534). Studies have shown that disruption of this splice site results in altered splicing, and produces a non-functional protein and/or introduces a premature termination codon (PMID: 14695534; internal data). For these reasons, this variant has been classified as Pathogenic.

Ambry Genetics
Classification: Pathogenic for Hereditary cancer-predisposing syndrome. Last evaluated: 2025-04-03. Review status: criteria provided, single submitter. Criteria: Ambry Variant Classification Scheme 2023. Collection method: clinical testing. Allele origin: germline.
Comment: The c.4110-1G>A intronic pathogenic mutation results from a G to A substitution one nucleotide upstream from coding exon 27 of the ATM gene. This variant is considered to be rare based on population cohorts in the Genome Aggregation Database (gnomAD). In silico splice site analysis predicts that this alteration will weaken the native splice acceptor site and will result in the creation or strengthening of a novel splice acceptor site. RNA studies have demonstrated that this alteration results in abnormal splicing in the set of samples tested (Ambry internal data). Based on the supporting evidence, this alteration is interpreted as a disease-causing mutation.

Natera, Inc.
Classification: Pathogenic for Ataxia-telangiectasia. Last evaluated: 2025-01-27. Review status: criteria provided, single submitter. Criteria: Natera Variant Classification Schema (03/2026). Collection method: clinical testing. Allele origin: germline.
Comment: The c.4110-1G>A variant in ATM is a canonical splice acceptor site variant predicted to affect pre-mRNA splicing, which may result in an abnormal transcript and altered protein product. This variant is expected to result in nonsense mediated decay, truncation, or a dysfunctional protein product. This variant is rare in the general population with a frequency below the threshold expected for the associated phenotype(s). Functional studies show that this variant may disrupt protein function (PMID: 14695534). Given the available evidence, this variant is classified as Pathogenic.

Myriad Genetics, Inc.
Classification: Likely pathogenic for Familial cancer of breast. Last evaluated: 2024-01-23. Review status: criteria provided, single submitter. Criteria: Myriad Autosomal Dominant, Autosomal Recessive and X-Linked Classification Criteria (2023). Collection method: clinical testing. Allele origin: unknown.
Comment: This variant is considered likely pathogenic. This variant occurs within a consensus splice junction and is predicted to result in abnormal mRNA splicing of either an out-of-frame exon or an in-frame exon necessary for protein stability and/or normal function.

Baylor Genetics
Classification: Pathogenic for Familial cancer of breast. Last evaluated: 2022-12-14. Review status: criteria provided, single submitter. Criteria: ACMG Guidelines, 2015. Collection method: clinical testing. Allele origin: unknown.

Color Diagnostics, LLC DBA Color Health
Classification: Likely pathogenic for Hereditary cancer-predisposing syndrome. Last evaluated: 2022-01-31. Review status: criteria provided, single submitter. Criteria: ACMG Guidelines, 2015. Collection method: clinical testing. Allele origin: germline.
Comment: This variant causes a G to A nucleotide substitution at the -1 position of intron 27 of the ATM gene. Functional RNA studies have shown that this variant (described as IVS29-1G>A) disrupts a canonical splice site and activates a cryptic splice site one nucleotide downstream, resulting in a frameshift and premature stop codon (PMID: 14695534). This variant has been reported in an individual affected with ataxia telangiectasia (PMID: 14695534). This variant has not been identified in the general population by the Genome Aggregation Database (gnomAD). Loss of ATM function is a known mechanism of disease. Based on the available evidence, this variant is classified as Likely Pathogenic.

Sema4
Classification: Pathogenic for Hereditary cancer-predisposing syndrome. Last evaluated: 2021-09-13. Review status: criteria provided, single submitter. Criteria: Sema4 Curation Guidelines. Collection method: curation. Allele origin: germline.
Comment: The ATM c.4110-1G>A variant has been reported in at least one individual with ataxia telangiectasia (PMID: 14695534). It was not observed in the large and broad cohorts of the Genome Aggregation Database (PMID: 32461654). The variant has been reported in ClinVar (Variation ID 407707). In silico tools predict that the variant disrupts the original splice acceptor site in intron 27 and activates a cryptic splice site one nucleotide downstream. These predictions have been confirmed by an experimental study (PMID: 14695534). Based on the current evidence available, this variant is interpreted as pathogenic.

Department of Molecular Diagnostics, Institute of Oncology Ljubljana
Classification: Pathogenic for Familial cancer of breast. Last evaluated: 2020-04-02. Review status: criteria provided, single submitter. Criteria: ACMG Guidelines, 2015. Collection method: clinical testing. Allele origin: germline. Affected: yes.

Literature cited by the submitters: PubMed 14695534 (cited by 5 submitters).

NM_000051.4(ATM):c.4110-1G>A

Gene: ATM (ATM serine/threonine kinase; plus strand). Cytogenetic location: 11q22.3.
Variant type: single nucleotide variant.
Coding change: c.4110-1G>A on transcript NM_000051.4 (MANE Select); the canonical splice acceptor site of the intron before coding-DNA position 4110, G replaced by A.
Molecular consequence: splice acceptor variant.
Genome position (GRCh38, 1-based): chr11:108,288,976, G>A. VCF-style: chr11-108288976-G-A. GRCh37 (hg19) VCF-style: chr11-108159703-G-A.
Other names: c.4110-1G>A (NM_001351834.2).
Identifiers: ClinVar variation 407707 (VCV000407707.27), dbSNP rs1060501692, ClinGen allele CA16613418.